The following is an entry in ClinVar:

ClinVar aggregate classification (germline): Uncertain significance (1 of 4 stars; one submission).

Conditions:
Autosomal dominant Alport syndrome (ATS3A). Also called: Alport syndrome dominant type; Renal failure and sensorineural hearing loss; ALPORT SYNDROME 3A, AUTOSOMAL DOMINANT. Identifiers: Orphanet 63, Orphanet 88918, MedGen C5882663, MONDO:0007086, OMIM 104200.

gnomAD v4.1: 9 of 1,607,728 alleles (0.00056%); highest among the groups gnomAD compares: African/African-American, 0.004%; no homozygotes.

Submission:

MVZ Medizinische Genetik Mainz
Classification: Uncertain significance for Autosomal dominant Alport syndrome. Last evaluated: 2025-10-08. Review status: criteria provided, single submitter. Criteria: UK Practice Guidelines For Variant Classification V4 01 2020. Collection method: clinical testing. Allele origin: germline. Inheritance: Autosomal dominant inheritance. Affected: yes. Observed: 1 variant allele.
Comment: ACMG Criteria: PM1_STR,PM2_SUP

NM_000091.5(COL4A3):c.127G>T (p.Gly43Trp)

Genes: MFF-DT (MFF divergent transcript; minus strand), COL4A3 (collagen type IV alpha 3 chain; plus strand). Cytogenetic location: 2q36.3.
Variant type: single nucleotide variant.
Coding change: c.127G>T on transcript NM_000091.5 (MANE Select); coding-DNA position 127, G replaced by T.
Protein change: p.Gly43Trp; replaces glycine 43 with tryptophan.
Molecular consequence: missense variant.
Genome position (GRCh38, 1-based): chr2:227,238,007, G>T. VCF-style: chr2-227238007-G-T. GRCh37 (hg19) VCF-style: chr2-228102723-G-T.
Other names: short protein forms G43W.
Identifiers: ClinVar variation 4526513 (VCV004526513.1).
Genomic context (GRCh38, chr2:227,238,007, plus strand): 5'-TTTCTCTTTCCCTCTTCCTAGGGTTGTGTCTGTAAAGACAAAGGCCAGTGCTTCTGTGAC[G>T]GGGCCAAAGGGGAGAAGGTAAAAACAAACCCTAATACTGCTTGTTTACACTGTAAAGCTC-3'
Protein context (NP_000082.2, residues 33-53): CKDKGQCFCD[Gly43Trp]AKGEKGEKGF